The following is an entry in ClinVar:

NM_017721.5(CC2D1A):c.1549G>A (p.Val517Met)

Gene: CC2D1A (coiled-coil and C2 domain containing 1A; plus strand). Cytogenetic location: 19p13.12.
Variant type: single nucleotide variant.
Coding change: c.1549G>A on transcript NM_017721.5 (MANE Select); coding-DNA position 1549, G replaced by A.
Protein change: p.Val517Met; replaces valine 517 with methionine.
Molecular consequence: missense variant.
Genome position (GRCh38, 1-based): chr19:13,920,830, G>A. VCF-style: chr19-13920830-G-A. GRCh37 (hg19) VCF-style: chr19-14031643-G-A.
Other names: short protein forms V517M.
Identifiers: ClinVar variation 128616 (VCV000128616.7), dbSNP rs200797532, ClinGen allele CA230958.

ClinVar aggregate classification (germline): Uncertain significance. Review status: criteria provided, multiple submitters, no conflicts (2 of 4 stars). 2 submissions from 2 submitters: Uncertain significance (2). Last evaluated 2025-06-07.

Allele frequency attached by ClinVar (database versions not stated): gnomAD exomes 0.00012 and 0.00027; ExAC 0.00013; TOPMed 0.00014; gnomAD 0.00018 and 0.00020; ESP Exome Variant Server 0.00048.
gnomAD v4.1: 422 of 1,614,014 alleles (0.026%); highest among the groups gnomAD compares: Non-Finnish European, 0.033%; 1 homozygote.

Submissions (2):

GeneDx
Classification: Uncertain significance. Last evaluated: 2025-06-07. Review status: criteria provided, single submitter. Criteria: GeneDx Variant Classification Process June 2021. Collection method: clinical testing. Allele origin: germline. Affected: yes.
Comment: In silico analysis suggests that this missense variant does not alter protein structure/function; Observed as heterozygous in a patient with severe specific language impairment; a second variant in CC2D1A was not reported (PMID: 28440294); This variant is associated with the following publications: (PMID: 28440294)

Genetic Services Laboratory, University of Chicago
Classification: Uncertain significance. Last evaluated: 2014-01-24. Review status: criteria provided, single submitter. Criteria: ACMG Guidelines, 2007. Collection method: clinical testing. Allele origin: germline. Inheritance: Autosomal recessive inheritance.